The following is an entry in ClinVar:

NM_004758.4(TSPOAP1):c.236G>A (p.Gly79Glu)

Genes: TSPOAP1 (TSPO associated protein 1; minus strand), TSPOAP1-AS1 (TSPOAP1, SUPT4H1 and RNF43 antisense RNA 1; plus strand), LOC130061277 (ATAC-STARR-seq lymphoblastoid active region 12463; plus strand). Cytogenetic location: 17q22.
Variant type: single nucleotide variant.
Coding change: c.236G>A on transcript NM_004758.4 (MANE Select); coding-DNA position 236, G replaced by A.
Protein change: p.Gly79Glu; replaces glycine 79 with glutamic acid.
Molecular consequence: missense variant.
Genome position (GRCh38, 1-based): chr17:58,327,685, C>T on the plus strand (G>A on the coding strand, the complement: TSPOAP1 is on the minus strand). VCF-style: chr17-58327685-C-T. GRCh37 (hg19) VCF-style: chr17-56405046-C-T.
Other names: c.236G>A, p.Gly79Glu (NM_001261835.2, NM_024418.3); short protein forms G79E.
Identifiers: ClinVar variation 402438 (VCV000402438.5), dbSNP rs61743284, ClinGen allele CA8672722.
Genomic context (GRCh38, chr17:58,327,685, plus strand): 5'-TGGCAGGCGGGTCCAGAGCTGGATGCTTGCTGGCCCAGGCTGGGCAGACAAGCCTCTGCT[C>T]CTTCAGGGTCAGTTCCCCCCACGGGCCTGGAGCTCCCGTCTCCTTTGGGCTTGGAACTCT-3'
Protein context (NP_004749.2, residues 69-89): SRPVGGTDPE[Gly79Glu]AEACLPSLGQ

ClinVar aggregate classification (germline): Benign. Review status: criteria provided, multiple submitters, no conflicts (2 of 4 stars). 2 submissions from 2 submitters: Benign (2). Last evaluated 2016-03-29.

Allele frequency attached by ClinVar (database versions not stated): 1000 Genomes Project 30x 0.01452; 1000 Genomes Project 0.01577; TOPMed 0.01695; gnomAD 0.01775 and 0.01794; ESP Exome Variant Server 0.01976; gnomAD exomes 0.02171 and 0.02305; ExAC 0.02180.
gnomAD v4.1: 36,480 of 1,613,940 alleles (2.3%); highest among the groups gnomAD compares: Middle Eastern, 3.7%; 508 homozygotes.

Submissions (2):

Laboratory for Molecular Medicine, Mass General Brigham Personalized Medicine
Classification: Benign. Last evaluated: 2016-03-29. Review status: criteria provided, single submitter. Criteria: LMM Criteria. Collection method: clinical testing. Allele origin: germline.
Comment: Variant identified in a genome or exome case(s) and assessed due to predicted null impact of the variant or pathogenic assertions in the literature or databases. Disclaimer: This variant has not undergone full assessment. The following are preliminary notes: Frequency

Breakthrough Genomics
Classification: Benign. Review status: criteria provided, single submitter. Criteria: ACMG Guidelines, 2015. Collection method: not provided. Allele origin: germline. Inheritance: Unknown mechanism. Affected: yes.